The following is an entry in ClinVar:

NM_000264.5(PTCH1):c.391G>A (p.Glu131Lys)

Gene: PTCH1 (patched 1; minus strand). Cytogenetic location: 9q22.32.
Variant type: single nucleotide variant.
Coding change: c.391G>A on transcript NM_000264.5 (MANE Select); coding-DNA position 391, G replaced by A.
Protein change: p.Glu131Lys; replaces glutamic acid 131 with lysine.
Molecular consequence: missense variant. On other transcripts: 5 prime UTR variant (4), non-coding transcript variant (1).
Genome position (GRCh38, 1-based): chr9:95,506,410, C>T on the plus strand (G>A on the coding strand, the complement: PTCH1 is on the minus strand). VCF-style: chr9-95506410-C-T. GRCh37 (hg19) VCF-style: chr9-98268692-C-T.
Other names: c.193G>A, p.Glu65Lys (NM_001083602.3, NM_001354919.2); c.388G>A, p.Glu130Lys (NM_001083603.3); c.-63G>A (NM_001083604.3, NM_001083605.3, NM_001083606.3 and 1 more transcripts); c.391G>A, p.Glu131Lys (NM_001354918.2); short protein forms E130K, E65K, E131K.
Identifiers: ClinVar variation 652665 (VCV000652665.9), dbSNP rs1321623220, ClinGen allele CA374120137.
Genomic context (GRCh38, chr9:95,506,410, plus strand): 5'-ATCAACCGCGAGGAGGGACCGGGCCGGGGGCGCGGGCGCCGCGGCGGGCGCTCTTACCTT[C>T]CACCCACAGCTCCTCCACGTTGGTCTCGAGGTTCGCTGCTTTTAATCCCACCGCGAAGGC-3'
Protein context (NP_000255.2, residues 121-141): LETNVEELWV[Glu131Lys]VGGRVSRELN

ClinVar aggregate classification (germline): Uncertain significance (1 of 4 stars; one submission).

Conditions:
Gorlin syndrome. Also called: Basal cell nevus syndrome; Nevoid Basal Cell Carcinoma Syndrome. Identifiers: Orphanet 377, MedGen C0004779, MONDO:0007187.

Allele frequency attached by ClinVar (database versions not stated): gnomAD exomes below 0.00001.

Submission:

Labcorp Genetics (formerly Invitae), Labcorp
Classification: Uncertain significance for Gorlin syndrome. Last evaluated: 2018-12-12. Review status: criteria provided, single submitter. Criteria: Invitae Variant Classification Sherloc (09022015). Collection method: clinical testing. Allele origin: germline.
Comment: In summary, the available evidence is currently insufficient to determine the role of this variant in disease. Therefore, it has been classified as a Variant of Uncertain Significance. Algorithms developed to predict the effect of missense changes on protein structure and function (SIFT, PolyPhen-2, Align-GVGD) all suggest that this variant is likely to be tolerated, but these predictions have not been confirmed by published functional studies and their clinical significance is uncertain. This variant has not been reported in the literature in individuals with PTCH1-related conditions. This variant is not present in population databases (ExAC no frequency). This sequence change replaces glutamic acid with lysine at codon 131 of the PTCH1 protein (p.Glu131Lys). The glutamic acid residue is moderately conserved and there is a small physicochemical difference between glutamic acid and lysine.